The following is an entry in ClinVar:

NM_133510.4(RAD51B):c.329C>T (p.Pro110Leu)

Gene: RAD51B (RAD51 paralog B; plus strand). Cytogenetic location: 14q24.1.
Variant type: single nucleotide variant.
Coding change: c.329C>T on transcript NM_133510.4 (MANE Select); coding-DNA position 329, C replaced by T.
Protein change: p.Pro110Leu; replaces proline 110 with leucine.
Molecular consequence: missense variant. On other transcripts: 5 prime UTR variant (1).
Genome position (GRCh38, 1-based): chr14:67,865,016, C>T. VCF-style: chr14-67865016-C-T. GRCh37 (hg19) VCF-style: chr14-68331733-C-T.
Other names: c.329C>T, p.Pro110Leu (NM_001321809.2, NM_001321810.2, NM_001321812.1 and 6 more transcripts); c.215C>T, p.Pro72Leu (NM_001321815.1); c.-29C>T (NM_001321817.2); short protein forms P110L, P72L.
Identifiers: ClinVar variation 4862890 (VCV004862890.1).

ClinVar aggregate classification (germline): Uncertain significance (1 of 4 stars; one submission).

Submission:

Ambry Genetics
Classification: Uncertain significance. Last evaluated: 2026-04-18. Review status: criteria provided, single submitter. Criteria: Ambry Variant Classification Scheme 2023. Collection method: clinical testing. Allele origin: germline.
Comment: The p.P110L variant (also known as c.329C>T), located in coding exon 4 of the RAD51B gene, results from a C to T substitution at nucleotide position 329. The proline at codon 110 is replaced by leucine, an amino acid with similar properties. This amino acid position is conserved. In addition, this alteration is predicted to be tolerated by in silico analysis. Based on the available evidence, the clinical significance of this variant remains unclear.